The following is an entry in ClinVar:

ClinVar aggregate classification (germline): Uncertain significance (1 of 4 stars; one submission).

Conditions:
Medium-chain acyl-coenzyme A dehydrogenase deficiency (ACADMD). Also called: MCAD Deficiency; MCADD; CARNITINE DEFICIENCY SECONDARY TO MEDIUM-CHAIN ACYL-CoA DEHYDROGENASE DEFICIENCY; ACADM DEFICIENCY; MCADH DEFICIENCY; Medium chain acyl-CoA dehydrogenase deficiency. Identifiers: Orphanet 42, MedGen C0220710, MONDO:0008721, OMIM 201450.

gnomAD v4.1: 1 of 1,613,784 alleles (0.000062%); highest among the groups gnomAD compares: Admixed American, 0.0017%; no homozygotes.

Submission:

Myriad Genetics, Inc.
Classification: Uncertain significance for Medium-chain acyl-coenzyme A dehydrogenase deficiency. Last evaluated: 2026-04-15. Review status: criteria provided, single submitter. Criteria: Myriad Autosomal Dominant, Autosomal Recessive and X-Linked Classification Criteria (2023). Collection method: clinical testing. Allele origin: unknown.
Comment: NM_000016.4(ACADM):c.626C>T(P209L) is a missense variant classified as a variant of uncertain significance in the context of medium-chain acyl-CoA dehydrogenase deficiency. P209L has been observed in cases with relevant disease (PMID: 35281663). Relevant functional assessments of this variant are not available in the literature. P209L has been observed in referenced population frequency databases. In summary, there is insufficient evidence to classify NM_000016.4(ACADM):c.626C>T(P209L) as pathogenic or benign. Please note: this variant was assessed in the context of healthy population screening.

Literature cited by the submitters: PubMed 35281663.

NM_000016.6(ACADM):c.626C>T (p.Pro209Leu)

Gene: ACADM (acyl-CoA dehydrogenase medium chain; plus strand). Cytogenetic location: 1p31.1.
Variant type: single nucleotide variant.
Coding change: c.626C>T on transcript NM_000016.6 (MANE Select); coding-DNA position 626, C replaced by T.
Protein change: p.Pro209Leu; replaces proline 209 with leucine.
Molecular consequence: missense variant.
Genome position (GRCh38, 1-based): chr1:75,745,832, C>T. VCF-style: chr1-75745832-C-T. GRCh37 (hg19) VCF-style: chr1-76211517-C-T.
Other names: c.638C>T, p.Pro213Leu (NM_001127328.3); c.518C>T, p.Pro173Leu (NM_001286042.2); c.725C>T, p.Pro242Leu (NM_001286043.2); c.59C>T, p.Pro20Leu (NM_001286044.2); short protein forms P242L, P173L, P209L, P20L, P213L.
Identifiers: ClinVar variation 5003398 (VCV005003398.1).